The following is an entry in ClinVar:

ClinVar aggregate classification (germline): Pathogenic (1 of 4 stars; one submission).

Conditions:
Bifunctional peroxisomal enzyme deficiency (DBIF). Also called: DBP DEFICIENCY; PBFE DEFICIENCY; D-bifunctional protein deficiency. Identifiers: Orphanet 300, MedGen C0342870, MONDO:0009855, OMIM 261515. Disease mechanism: loss of function.
Perrault syndrome. Also called: Gonadal dysgenesis with auditory dysfunction, autosomal recessive inheritance. Identifiers: Orphanet 2855, MedGen C0685838, MONDO:0017312.

Submission:

Labcorp Genetics (formerly Invitae), Labcorp
Classification: Pathogenic for Perrault syndrome; Bifunctional peroxisomal enzyme deficiency. Last evaluated: 2021-04-21. Review status: criteria provided, single submitter. Criteria: Invitae Variant Classification Sherloc (09022015). Collection method: clinical testing. Allele origin: germline.
Comment: This sequence change creates a premature translational stop signal (p.Thr494Argfs*31) in the HSD17B4 gene. It is expected to result in an absent or disrupted protein product. Loss-of-function variants in HSD17B4 are known to be pathogenic (PMID: 11810648, 16385454). This variant is present in population databases (rs775060894, ExAC 0.001%). For these reasons, this variant has been classified as Pathogenic. Algorithms developed to predict the effect of sequence changes on RNA splicing suggest that this variant may create or strengthen a splice site, but this prediction has not been confirmed by published transcriptional studies. This variant has not been reported in the literature in individuals with HSD17B4-related conditions.

Literature cited by the submitters: PubMed 11810648; PubMed 16385454.

NM_000414.4(HSD17B4):c.1480_1481insGA (p.Thr494fs)

Gene: HSD17B4 (hydroxysteroid 17-beta dehydrogenase 4; plus strand). Cytogenetic location: 5q23.1.
Variant type: Insertion.
Coding change: c.1480_1481insGA on transcript NM_000414.4 (MANE Select); coding-DNA positions 1480 to 1481, GA inserted.
Protein change: p.Thr494fs; shifts the reading frame from threonine 494.
Molecular consequence: frameshift variant. On other transcripts: non-coding transcript variant (2).
Genome position: GRCh38 VCF-style: chr5-119515022-T-TAG. GRCh37 (hg19) VCF-style: chr5-118850717-T-TAG.
Other names: c.1555_1556insGA, p.Thr519fs (NM_001199291.3); c.1426_1427insGA, p.Thr476fs (NM_001199292.2); c.1408_1409insGA, p.Thr470fs (NM_001292027.2, NM_001374498.1); c.1060_1061insGA, p.Thr354fs (NM_001292028.2); c.1471_1472insGA, p.Thr491fs (NM_001374497.1); c.1153_1154insGA, p.Thr385fs (NM_001374499.1); c.1039_1040insGA, p.Thr347fs (NM_001374500.1); c.1069_1070insGA, p.Thr357fs (NM_001374501.1, NM_001374502.1, NM_001374503.1); short protein forms T354fs, T519fs, T470fs, T494fs, T347fs, T357fs, T385fs, T491fs.
Identifiers: ClinVar variation 1423489 (VCV001423489.6), dbSNP rs775060894, ClinGen allele CA3382281.